The following is an entry in ClinVar:

NM_002582.4(PARN):c.352A>T (p.Ser118Cys)

Gene: PARN (poly(A)-specific ribonuclease; minus strand). Cytogenetic location: 16p13.12.
Variant type: single nucleotide variant.
Coding change: c.352A>T on transcript NM_002582.4 (MANE Select); coding-DNA position 352, A replaced by T.
Protein change: p.Ser118Cys; replaces serine 118 with cysteine.
Molecular consequence: missense variant.
Genome position (GRCh38, 1-based): chr16:14,617,626, T>A on the plus strand (A>T on the coding strand, the complement: PARN is on the minus strand). VCF-style: chr16-14617626-T-A. GRCh37 (hg19) VCF-style: chr16-14711483-T-A.
Other names: c.169A>T, p.Ser57Cys (NM_001134477.3); c.214A>T, p.Ser72Cys (NM_001242992.2); short protein forms S72C, S118C, S57C.
Identifiers: ClinVar variation 4782964 (VCV004782964.1).

ClinVar aggregate classification (germline): Uncertain significance (1 of 4 stars; one submission).

Conditions:
Pulmonary fibrosis and/or bone marrow failure, Telomere-related, 4. Also called: PULMONARY FIBROSIS AND/OR BONE MARROW FAILURE SYNDROME, TELOMERE-RELATED, 4. Identifiers: Orphanet 2032, MedGen C4225347, MONDO:0014612, OMIM 616371.
Dyskeratosis congenita, autosomal recessive 6 (DKCB6). Identifiers: MedGen C4225356, MONDO:0014600, OMIM 616353.

gnomAD v4.1: 11 of 1,598,438 alleles (0.00069%); highest among the groups gnomAD compares: Non-Finnish European, 0.00077%; no homozygotes.

Submission:

Labcorp Genetics (formerly Invitae), Labcorp
Classification: Uncertain significance for Dyskeratosis congenita, autosomal recessive 6; Pulmonary fibrosis and/or bone marrow failure, Telomere-related, 4. Last evaluated: 2025-08-29. Review status: criteria provided, single submitter. Criteria: Invitae Variant Classification Sherloc (09022015). Collection method: clinical testing. Allele origin: germline.
Comment: This sequence change replaces serine, which is neutral and polar, with cysteine, which is neutral and slightly polar, at codon 118 of the PARN protein (p.Ser118Cys). This variant is not present in population databases (gnomAD no frequency). This variant has not been reported in the literature in individuals affected with PARN-related conditions. Invitae Evidence Modeling of protein sequence and biophysical properties (such as structural, functional, and spatial information, amino acid conservation, physicochemical variation, residue mobility, and thermodynamic stability) indicates that this missense variant is not expected to disrupt PARN protein function with a negative predictive value of 80%. In summary, the available evidence is currently insufficient to determine the role of this variant in disease. Therefore, it has been classified as a Variant of Uncertain Significance.